The following is an entry in ClinVar:

NM_004329.3(BMPR1A):c.5C>T (p.Pro2Leu)

Gene: BMPR1A (bone morphogenetic protein receptor type 1A; plus strand). Cytogenetic location: 10q23.2.
Variant type: single nucleotide variant.
Coding change: c.5C>T on transcript NM_004329.3 (MANE Select); coding-DNA position 5, C replaced by T.
Protein change: p.Pro2Leu; replaces proline 2 with leucine.
Molecular consequence: missense variant.
Genome position (GRCh38, 1-based): chr10:86,876,023, C>T. VCF-style: chr10-86876023-C-T. GRCh37 (hg19) VCF-style: chr10-88635780-C-T.
Other names: p.P2L:CCT>CTT; short protein forms P2L.
Identifiers: ClinVar variation 182062 (VCV000182062.31), dbSNP rs143248687, ClinGen allele CA298499.

ClinVar aggregate classification (germline): Conflicting classifications of pathogenicity. Review status: criteria provided, conflicting classifications (1 of 4 stars). 9 submissions from 9 submitters: Uncertain significance (6); Benign (2). 1 of the submissions does not count toward it. Last evaluated 2024-12-16.

Conditions:
Juvenile polyposis syndrome (JPS). Identifiers: Orphanet 2929, MedGen C0345893, MONDO:0017380, OMIM 174900.
Hereditary cancer-predisposing syndrome. Also called: Tumor predisposition; Hereditary Cancer Syndrome; Hereditary neoplastic syndrome; Neoplastic Syndromes, Hereditary. Identifiers: Orphanet 140162, MedGen C0027672, MeSH D009386, MONDO:0015356.

Allele frequency attached by ClinVar (database versions not stated): gnomAD 0.00001; gnomAD exomes 0.00002; TOPMed 0.00002; ESP Exome Variant Server 0.00008.
gnomAD v4.1: 33 of 1,608,210 alleles (0.0021%); highest among the groups gnomAD compares: African/African-American, 0.0054%; no homozygotes.

Submissions (9):

Color Diagnostics, LLC DBA Color Health
Classification: Benign for Hereditary cancer-predisposing syndrome. Last evaluated: 2024-12-16. Review status: criteria provided, single submitter. Criteria: ACMG Guidelines, 2015. Collection method: clinical testing. Allele origin: germline.

Labcorp Genetics (formerly Invitae), Labcorp
Classification: Uncertain significance for Juvenile polyposis syndrome. Last evaluated: 2024-11-20. Review status: criteria provided, single submitter. Criteria: Invitae Variant Classification Sherloc (09022015). Collection method: clinical testing. Allele origin: germline.
Comment: This sequence change replaces proline, which is neutral and non-polar, with leucine, which is neutral and non-polar, at codon 2 of the BMPR1A protein (p.Pro2Leu). This variant is present in population databases (rs143248687, gnomAD 0.007%). This missense change has been observed in individual(s) with breast cancer (PMID: 25186627). ClinVar contains an entry for this variant (Variation ID: 182062). Invitae Evidence Modeling incorporating data from in vitro experimental studies (internal data) indicates that this missense variant is not expected to disrupt BMPR1A function with a negative predictive value of 95%. In summary, the available evidence is currently insufficient to determine the role of this variant in disease. Therefore, it has been classified as a Variant of Uncertain Significance.

All of Us Research Program, National Institutes of Health
Classification: Uncertain significance for Juvenile polyposis syndrome. Last evaluated: 2024-06-11. Review status: criteria provided, single submitter. Criteria: ACMG Guidelines, 2015. Collection method: clinical testing. Allele origin: germline. Inheritance: Autosomal dominant inheritance. Observed: 13 variant alleles, 13 heterozygotes.
Comment: This missense variant replaces proline with leucine at codon 2 of the BMPR1A protein. Computational prediction suggests that this variant may not impact protein structure and function (internally defined REVEL score threshold <= 0.5, PMID: 27666373). To our knowledge, functional studies have not been reported for this variant. This variant has been reported in an individual affected with breast cancer (PMID: 25186627) and in an individual unaffected with cancer (PMID: 27930734). This variant has been identified in 7/282724 chromosomes in the general population by the Genome Aggregation Database (gnomAD). The available evidence is insufficient to determine the role of this variant in disease conclusively. Therefore, this variant is classified as a Variant of Uncertain Significance.

This study involves interpretation of variants in research participants for the purpose of population health screening. Participant phenotype was not available at the time of variant classification. Additional details can be found in publication PMID: 35346344, PMCID: PMC8962531

GeneDx
Classification: Uncertain significance. Last evaluated: 2023-08-20. Review status: criteria provided, single submitter. Criteria: GeneDx Variant Classification Process June 2021. Collection method: clinical testing. Allele origin: germline. Affected: yes.
Comment: Not observed at a significant frequency in large population cohorts (gnomAD); In silico analysis supports that this missense variant does not alter protein structure/function; Observed in an individual with breast cancer (Tung et al., 2015); This variant is associated with the following publications: (PMID: 27930734, 25186627, 30267214)

Myriad Genetics, Inc.
Classification: Uncertain significance for Juvenile polyposis syndrome. Last evaluated: 2023-03-02. Review status: criteria provided, single submitter. Criteria: Myriad Autosomal Dominant, Autosomal Recessive and X-Linked Classification Criteria (2023). Collection method: clinical testing. Allele origin: unknown.
Comment: This variant is classified as a variant of uncertain significance as there is insufficient evidence to determine its impact on protein function and/or cancer risk.

Ambry Genetics
Classification: Benign for Hereditary cancer-predisposing syndrome. Last evaluated: 2023-01-03. Review status: criteria provided, single submitter. Criteria: Ambry Variant Classification Scheme 2023. Collection method: clinical testing. Allele origin: germline.

Quest Diagnostics Nichols Institute San Juan Capistrano
Classification: Uncertain significance. Last evaluated: 2017-10-27. Review status: criteria provided, single submitter. Criteria: Quest Diagnostics criteria. Collection method: clinical testing. Allele origin: germline.

Women's Health and Genetics/Laboratory Corporation of America, LabCorp
Classification: Uncertain significance. Last evaluated: 2017-02-09. Review status: criteria provided, single submitter. Criteria: LabCorp Variant Classification Summary - May 2015. Collection method: clinical testing. Allele origin: germline.
Comment: Variant summary: The c.5C>T (p.Pro2Leu) in BMPR1A gene is a missense change that involves a non-conserved nucleotide and 2/5 in silico tools predict benign outcome. The variant of interest is located outside of any known functional domain. The variant is present in the control population dataset of ExAC at a frequency of 1.648e-05 (2/121358 chrs tested). The variant has been cited in a cohort in the literature without phenotype data provided and was cited as a VUS by reputable databases/clinical laboratories. Taking together, the variant was classified as VUS.

Counsyl
Classification: Uncertain significance for Juvenile polyposis syndrome. Last evaluated: 2016-02-10. Review status: no assertion criteria provided. Collection method: clinical testing. Allele origin: unknown. Not counted in ClinVar's aggregate classification.

Literature cited by the submitters: PubMed 25186627 (cited by 4 submitters); PubMed 27930734 (cited by 3 submitters); PubMed 30267214 (cited by Ambry Genetics).